The following is an entry in ClinVar:

ClinVar aggregate classification (germline): Likely benign. Review status: criteria provided, multiple submitters, no conflicts (2 of 4 stars). 3 submissions from 3 submitters: Likely benign (2). 1 of the submissions does not count toward it. Last evaluated 2023-05-20.

Conditions:
GCM2-related disorder. Also called: GCM2-related condition.

Allele frequency attached by ClinVar (database versions not stated): TOPMed 0.00005; gnomAD 0.00008; gnomAD exomes 0.00009; ExAC 0.00010.
gnomAD v4.1: 146 of 1,614,108 alleles (0.009%); highest among the groups gnomAD compares: South Asian, 0.05%; 2 homozygotes.

Submissions (3):

Labcorp Genetics (formerly Invitae), Labcorp
Classification: Likely benign. Last evaluated: 2023-05-20. Review status: criteria provided, single submitter. Criteria: Invitae Variant Classification Sherloc (09022015). Collection method: clinical testing. Allele origin: germline.

Blueprint Genetics
Classification: Likely benign. Last evaluated: 2023-05-09. Review status: criteria provided, single submitter. Criteria: ACMG Guidelines, 2015. Collection method: clinical testing. Allele origin: germline.

PreventionGenetics, part of Exact Sciences
Classification: Likely benign for GCM2-related condition. Last evaluated: 2019-10-28. Review status: no assertion criteria provided. Collection method: clinical testing. Allele origin: germline. Not counted in ClinVar's aggregate classification.
Comment: This variant is classified as likely benign based on ACMG/AMP sequence variant interpretation guidelines (Richards et al. 2015 PMID: 25741868, with internal and published modifications).

NM_004752.4(GCM2):c.222C>T (p.Gly74=)

Gene: GCM2 (GCM transcription factor 2; minus strand). Cytogenetic location: 6p24.2.
Variant type: single nucleotide variant.
Coding change: c.222C>T on transcript NM_004752.4 (MANE Select); coding-DNA position 222, C replaced by T.
Protein change: p.Gly74=; no amino-acid change (glycine 74 retained).
Molecular consequence: synonymous variant.
Genome position (GRCh38, 1-based): chr6:10,877,261, G>A on the plus strand (C>T on the coding strand, the complement: GCM2 is on the minus strand). VCF-style: chr6-10877261-G-A. GRCh37 (hg19) VCF-style: chr6-10877494-G-A.
Other names: c.222C>T (NM_004752.3).
Identifiers: ClinVar variation 2848272 (VCV002848272.6), dbSNP rs778465042, ClinGen allele CA3634138.
Genomic context (GRCh38, chr6:10,877,261, plus strand): 5'-GGGCAGGGTGCAGGCCTGTGTACACACCACCACACCCAGGCACGACTTCTTGAGGATGTG[G>A]CCATTGTGGTTGTTGGTGTTGCGCATGGCCCAGCCGCTCAGGTGACGCTGTGCCTTCTTC-3'
Protein context (NP_004743.1, residues 64-84): WAMRNTNNHN[Gly74=]HILKKSCLGV